The following is an entry in ClinVar:

NM_001039591.3(USP9X):c.4791T>A (p.Asp1597Glu)

Gene: USP9X (ubiquitin specific peptidase 9 X-linked; plus strand). Cytogenetic location: Xp11.4.
Variant type: single nucleotide variant.
Coding change: c.4791T>A on transcript NM_001039591.3 (MANE Select); coding-DNA position 4791, T replaced by A.
Protein change: p.Asp1597Glu; replaces aspartic acid 1597 with glutamic acid.
Molecular consequence: missense variant.
Genome position (GRCh38, 1-based): chrX:41,201,247, T>A. VCF-style: chrX-41201247-T-A. GRCh37 (hg19) VCF-style: chrX-41060500-T-A.
Other names: c.4791T>A, p.Asp1597Glu (NM_001039590.3); c.4806T>A, p.Asp1602Glu (NM_001410748.1, NM_001410749.1); short protein forms D1602E, D1597E.
Identifiers: ClinVar variation 3683644 (VCV003683644.2).

ClinVar aggregate classification (germline): Uncertain significance (1 of 4 stars; one submission).

Submission:

Labcorp Genetics (formerly Invitae), Labcorp
Classification: Uncertain significance. Last evaluated: 2024-11-03. Review status: criteria provided, single submitter. Criteria: Invitae Variant Classification Sherloc (09022015). Collection method: clinical testing. Allele origin: germline.
Comment: This sequence change replaces aspartic acid, which is acidic and polar, with glutamic acid, which is acidic and polar, at codon 1597 of the USP9X protein (p.Asp1597Glu). This variant is not present in population databases (gnomAD no frequency). This variant has not been reported in the literature in individuals affected with USP9X-related conditions. An algorithm developed to predict the effect of missense changes on protein structure and function (PolyPhen-2) suggests that this variant is likely to be tolerated. In summary, the available evidence is currently insufficient to determine the role of this variant in disease. Therefore, it has been classified as a Variant of Uncertain Significance.